The following is an entry in ClinVar:

ClinVar aggregate classification (germline): Uncertain significance (1 of 4 stars; one submission).

Submission:

Labcorp Genetics (formerly Invitae), Labcorp
Classification: Uncertain significance. Last evaluated: 2025-06-03. Review status: criteria provided, single submitter. Criteria: Invitae Variant Classification Sherloc (09022015). Collection method: clinical testing. Allele origin: germline.
Comment: This sequence change replaces phenylalanine, which is neutral and non-polar, with leucine, which is neutral and non-polar, at codon 558 of the RINT1 protein (p.Phe558Leu). This variant is not present in population databases (gnomAD no frequency). This variant has not been reported in the literature in individuals affected with RINT1-related conditions. ClinVar contains an entry for this variant (Variation ID: 946769). An algorithm developed to predict the effect of missense changes on protein structure and function (PolyPhen-2) suggests that this variant is likely to be disruptive. In summary, the available evidence is currently insufficient to determine the role of this variant in disease. Therefore, it has been classified as a Variant of Uncertain Significance.

NM_021930.6(RINT1):c.1674C>A (p.Phe558Leu)

Gene: RINT1 (RAD50 interactor 1; plus strand). Cytogenetic location: 7q22.3.
Variant type: single nucleotide variant.
Coding change: c.1674C>A on transcript NM_021930.6 (MANE Select); coding-DNA position 1674, C replaced by A.
Protein change: p.Phe558Leu; replaces phenylalanine 558 with leucine.
Molecular consequence: missense variant. On other transcripts: non-coding transcript variant (1).
Genome position (GRCh38, 1-based): chr7:105,563,735, C>A. VCF-style: chr7-105563735-C-A. GRCh37 (hg19) VCF-style: chr7-105204182-C-A.
Other names: c.1440C>A, p.Phe480Leu (NM_001346599.2); c.651C>A, p.Phe217Leu (NM_001346600.2, NM_001346603.2); c.750C>A, p.Phe250Leu (NM_001346601.2); short protein forms F217L, F480L, F558L, F250L.
Identifiers: ClinVar variation 946769 (VCV000946769.9), dbSNP rs1159314611, ClinGen allele CA368813421.